The following is an entry in ClinVar:

ClinVar aggregate classification (germline): Uncertain significance (1 of 4 stars; one submission).

Conditions:
Dystonia 5 (DRD). Also called: DYT-GCH1; GTP Cyclohydrolase 1-Deficient Dopa-Responsive Dystonia; Dystonia, DOPA-responsive, with or without hyperphenylalaninemia; DYSTONIA, PROGRESSIVE, WITH DIURNAL VARIATION; DYSTONIA-PARKINSONISM WITH DIURNAL FLUCTUATION. Identifiers: Orphanet 98808, MedGen C1851920, MONDO:0007495, OMIM 128230.

Submission:

3billion
Classification: Uncertain significance for Dystonia 5. Last evaluated: 2023-11-07. Review status: criteria provided, single submitter. Criteria: ACMG Guidelines, 2015. Collection method: clinical testing. Allele origin: germline. Affected: yes.
Comment: The variant is not observed in the gnomAD v2.1.1 dataset. Predicted Consequence/Location: Missense variant In silico tool predictions suggest damaging effect of the variant on gene or gene product [REVEL: 0.98 (>=0.6, sensitivity 0.68 and specificity 0.92); 3Cnet: 0.89 (>=0.6, sensitivity 0.72 and precision 0.9)]. Different missense changes at the same codon (p.Gly232Ser, p.Gly232Val) have been reported to be associated with GCH1-related disorder (PMID: 24939974, 34890878). However the evidence of pathogenicity is insufficient at this time. Therefore, this variant is classified as VUS according to the recommendation of ACMG/AMP guideline.

Literature cited by the submitters: PubMed 24939974.

NM_000161.3(GCH1):c.694G>T (p.Gly232Cys)

Gene: GCH1 (GTP cyclohydrolase 1; minus strand). Cytogenetic location: 14q22.2.
Variant type: single nucleotide variant.
Coding change: c.694G>T on transcript NM_000161.3 (MANE Select); coding-DNA position 694, G replaced by T.
Protein change: p.Gly232Cys; replaces glycine 232 with cysteine.
Molecular consequence: missense variant. On other transcripts: intron variant (3).
Genome position (GRCh38, 1-based): chr14:54,844,076, C>A on the plus strand (G>T on the coding strand, the complement: GCH1 is on the minus strand). VCF-style: chr14-54844076-C-A. GRCh37 (hg19) VCF-style: chr14-55310794-C-A.
Other names: c.510-1022G>T (NM_001424104.1); c.627-1022G>T (NM_001024071.2); c.694G>T, p.Gly232Cys (NM_001024024.2); c.400G>T, p.Gly134Cys (NM_001424105.1); c.627-207G>T (NM_001024070.2); short protein forms G134C, G232C.
Identifiers: ClinVar variation 3775782 (VCV003775782.1).
Genomic context (GRCh38, chr14:54,844,076, plus strand): 5'-CTCAGCTCCTAATGAGAGTCAGGAACTCTTCCCGAGTCTTTGGATCCTCCCGGAACACAC[C>A]CAACATTGTGCTGGTCACAGTTTTGCTGTTCATTTTCTGTACACCTCGCATTACCATACA-3'
Protein context (NP_000152.1, residues 222-242): NSKTVTSTML[Gly232Cys]VFREDPKTRE